The following is an entry in ClinVar:

ClinVar aggregate classification (germline): Pathogenic (1 of 4 stars; one submission).

Conditions:
Retinoblastoma (RB1). Also called: RETINOBLASTOMA, SOMATIC. Identifiers: Orphanet 790, MedGen C0035335, MeSH D012175, MONDO:0008380, OMIM 180200, HP:0009919. Disease mechanism: loss of function. Inheritance: Both sporadic and heritable forms are tested..

Submission:

Labcorp Genetics (formerly Invitae), Labcorp
Classification: Pathogenic for Retinoblastoma. Last evaluated: 2023-02-16. Review status: criteria provided, single submitter. Criteria: Invitae Variant Classification Sherloc (09022015). Collection method: clinical testing. Allele origin: unknown.
Comment: For these reasons, this variant has been classified as Pathogenic. This variant is a gross deletion of the genomic region encompassing exon(s) 1-6 of the RB1 gene, which includes the initiator codon. This deletion extends beyond the assayed region for this gene and therefore may encompass additional genes. It is expected to result in an absent or disrupted protein product. Loss-of-function variants in RB1 are known to be pathogenic (PMID: 17096365). A similar copy number variant has been observed in individual(s) with retinoblastoma (PMID: 14722923). This variant is also known as Del P-6.

Literature cited by the submitters: PubMed 17096365; PubMed 14722923.

NC_000013.10:g.(?_48878049)_(48923179_?)del

Gene: RB1 (RB transcriptional corepressor 1; plus strand). Cytogenetic location: 13q14.2.
Variant type: Deletion.
Identifiers: ClinVar variation 3244123 (VCV003244123.1).